The following is an entry in ClinVar:

ClinVar aggregate classification (germline): Uncertain significance (1 of 4 stars; one submission).

gnomAD v4.1: 2 of 152,176 alleles (0.0013%); highest among the groups gnomAD compares: African/African-American, 0.0024%; no homozygotes.

Submission:

CeGaT Center for Human Genetics Tuebingen
Classification: Uncertain significance. Last evaluated: 2026-07-01. Review status: criteria provided, single submitter. Criteria: CeGaT Center For Human Genetics Tuebingen Variant Classification Criteria Version 2. Collection method: clinical testing. Allele origin: germline. Affected: yes. Observed: 1 variant allele.
Comment: GNB1: PP3

NM_002074.5(GNB1):c.-92A>G

Gene: GNB1 (G protein subunit beta 1; minus strand). Cytogenetic location: 1p36.33.
Variant type: single nucleotide variant.
Coding change: c.-92A>G on transcript NM_002074.5 (MANE Select); 92 bases upstream of the start codon, A replaced by G.
Molecular consequence: 5 prime UTR variant. On other transcripts: intron variant (1).
Genome position (GRCh38, 1-based): chr1:1,839,235, T>C on the plus strand (A>G on the coding strand, the complement: GNB1 is on the minus strand). VCF-style: chr1-1839235-T-C. GRCh37 (hg19) VCF-style: chr1-1770674-T-C.
Other names: c.-246A>G (NM_001282538.2); c.-46-13736A>G (NM_001282539.2).
Identifiers: ClinVar variation 5040022 (VCV005040022.1).